The following is an entry in ClinVar:

ClinVar aggregate classification (germline): Likely benign. Review status: criteria provided, multiple submitters, no conflicts (2 of 4 stars). 2 submissions from 2 submitters: Likely benign (2). Last evaluated 2026-09-01.

Conditions:
Developmental and epileptic encephalopathy, 14 (DEE14). Also called: Early infantile epileptic encephalopathy 14. Identifiers: Orphanet 293181, MedGen C3554195, MONDO:0013989, OMIM 614959.
Autosomal dominant nocturnal frontal lobe epilepsy 5. Also called: CILIARY DYSKINESIA, PRIMARY, 28, WITHOUT SITUS INVERSUS; CILIARY DYSKINESIA, PRIMARY, 28, WITH SITUS INVERSUS; Epilepsy, nocturnal frontal lobe, 5; KCNT1-Related Epilepsy. Identifiers: Orphanet 98784, MedGen C3554306, MONDO:0014002, OMIM 615005.

Allele frequency attached by ClinVar (database versions not stated): ExAC 0.00001; gnomAD 0.00001; TOPMed 0.00004.
gnomAD v4.1: 26 of 1,613,654 alleles (0.0016%); highest among the groups gnomAD compares: Non-Finnish European, 0.0021%; no homozygotes.

Submissions (2):

CeGaT Center for Human Genetics Tuebingen
Classification: Likely benign. Last evaluated: 2026-09-01. Review status: criteria provided, single submitter. Criteria: CeGaT Center For Human Genetics Tuebingen Variant Classification Criteria Version 2. Collection method: clinical testing. Allele origin: germline. Affected: yes. Observed: 1 variant allele.
Comment: KCNT1: BP4, BP7

Labcorp Genetics (formerly Invitae), Labcorp
Classification: Likely benign for Autosomal dominant nocturnal frontal lobe epilepsy 5; Developmental and epileptic encephalopathy, 14. Last evaluated: 2024-03-16. Review status: criteria provided, single submitter. Criteria: Invitae Variant Classification Sherloc (09022015). Collection method: clinical testing. Allele origin: germline.

NM_020822.3(KCNT1):c.300G>A (p.Arg100=)

Gene: KCNT1 (potassium sodium-activated channel subfamily T member 1; plus strand). Cytogenetic location: 9q34.3.
Variant type: single nucleotide variant.
Coding change: c.300G>A on transcript NM_020822.3 (MANE Select); coding-DNA position 300, G replaced by A.
Protein change: p.Arg100=; no amino-acid change (arginine 100 retained).
Molecular consequence: synonymous variant.
Genome position (GRCh38, 1-based): chr9:135,750,143, G>A. VCF-style: chr9-135750143-G-A. GRCh37 (hg19) VCF-style: chr9-138641989-G-A.
Other names: c.156G>A, p.Arg52= (NM_001272003.2).
Identifiers: ClinVar variation 737129 (VCV000737129.12), dbSNP rs762249620, ClinGen allele CA5326361.